The following is an entry in ClinVar:

NM_138576.4(BCL11B):c.2227C>A (p.His743Asn)

Gene: BCL11B (BCL11 transcription factor B; minus strand). Cytogenetic location: 14q32.2.
Variant type: single nucleotide variant.
Coding change: c.2227C>A on transcript NM_138576.4 (MANE Select); coding-DNA position 2227, C replaced by A.
Protein change: p.His743Asn; replaces histidine 743 with asparagine.
Molecular consequence: missense variant.
Genome position (GRCh38, 1-based): chr14:99,174,609, G>T on the plus strand (C>A on the coding strand, the complement: BCL11B is on the minus strand). VCF-style: chr14-99174609-G-T. GRCh37 (hg19) VCF-style: chr14-99640946-G-T.
Other names: c.2224C>A, p.His742Asn (NM_001282237.2); c.2011C>A, p.His671Asn (NM_001282238.2); c.2014C>A, p.His672Asn (NM_022898.3); c.2227C>A (NM_138576.2); short protein forms H671N, H672N, H742N, H743N.
Identifiers: ClinVar variation 3370838 (VCV003370838.2).

ClinVar aggregate classification (germline): Uncertain significance. Review status: criteria provided, multiple submitters, no conflicts (2 of 4 stars). 2 submissions from 2 submitters: Uncertain significance (2). Last evaluated 2024-10-29.

Conditions:
Inborn genetic diseases. Identifiers: MedGen C0950123, MeSH D030342.

Submissions (2):

Ambry Genetics
Classification: Uncertain significance for Inborn genetic diseases. Last evaluated: 2024-10-29. Review status: criteria provided, single submitter. Criteria: Ambry Variant Classification Scheme 2023. Collection method: clinical testing. Allele origin: germline.

GeneDx
Classification: Uncertain significance. Last evaluated: 2024-03-11. Review status: criteria provided, single submitter. Criteria: GeneDx Variant Classification Process June 2021. Collection method: clinical testing. Allele origin: germline. Affected: yes.
Comment: Not observed at significant frequency in large population cohorts (gnomAD); In silico analysis supports that this missense variant has a deleterious effect on protein structure/function; Has not been previously published as pathogenic or benign to our knowledge